The following is an entry in ClinVar:

NM_000038.6(APC):c.4289C>T (p.Thr1430Ile)

Gene: APC (APC regulator of Wnt signaling pathway; plus strand). Cytogenetic location: 5q22.2.
Variant type: single nucleotide variant.
Coding change: c.4289C>T on transcript NM_000038.6 (MANE Select); coding-DNA position 4289, C replaced by T.
Protein change: p.Thr1430Ile; replaces threonine 1430 with isoleucine.
Molecular consequence: missense variant.
Genome position (GRCh38, 1-based): chr5:112,839,883, C>T. VCF-style: chr5-112839883-C-T. GRCh37 (hg19) VCF-style: chr5-112175580-C-T.
Other names: c.4289C>T, p.Thr1430Ile (NM_001127510.3, NM_001354895.2); c.4235C>T, p.Thr1412Ile (NM_001127511.3); c.4343C>T, p.Thr1448Ile (NM_001354896.2); c.4319C>T, p.Thr1440Ile (NM_001354897.2); c.4214C>T, p.Thr1405Ile (NM_001354898.2); c.4205C>T, p.Thr1402Ile (NM_001354899.2); c.4166C>T, p.Thr1389Ile (NM_001354900.2); c.4112C>T, p.Thr1371Ile (NM_001354901.2); and 5 more; short protein forms T1412I, T1430I, T1440I, T1448I, T1304I, T1339I, T1405I, T1147I.
Identifiers: ClinVar variation 824757 (VCV000824757.15), dbSNP rs1580646079, ClinGen allele CA16030731.
Genomic context (GRCh38, chr5:112,839,883, plus strand): 5'-GCAGTGGAATGGTAAGTGGCATTATAAGCCCCAGTGATCTTCCAGATAGCCCTGGACAAA[C>T]CATGCCACCAAGCAGAAGTAAAACACCTCCACCACCTCCTCAAACAGCTCAAACCAAGCG-3'
Protein context (NP_000029.2, residues 1420-1440): PSDLPDSPGQ[Thr1430Ile]MPPSRSKTPP

ClinVar aggregate classification (germline): Uncertain significance. Review status: criteria provided, multiple submitters, no conflicts (2 of 4 stars). 3 submissions from 3 submitters: Uncertain significance (3). Last evaluated 2021-07-17.

Conditions:
Hereditary cancer-predisposing syndrome. Also called: Neoplastic Syndromes, Hereditary; Tumor predisposition; Hereditary neoplastic syndrome; Hereditary Cancer Syndrome. Identifiers: Orphanet 140162, MedGen C0027672, MeSH D009386, MONDO:0015356.
Familial adenomatous polyposis 1 (FAP1). Also called: POLYPOSIS, ADENOMATOUS INTESTINAL; FAMILIAL ADENOMATOUS POLYPOSIS 1, ATTENUATED. Identifiers: MedGen C2713442, MONDO:0021056, OMIM 175100. Disease mechanism: loss of function.

Submissions (3):

Labcorp Genetics (formerly Invitae), Labcorp
Classification: Uncertain significance for Familial adenomatous polyposis 1. Last evaluated: 2021-07-17. Review status: criteria provided, single submitter. Criteria: Invitae Variant Classification Sherloc (09022015). Collection method: clinical testing. Allele origin: germline.
Comment: This variant has not been reported in the literature in individuals affected with APC-related conditions. This variant is not present in population databases (ExAC no frequency). This sequence change replaces threonine with isoleucine at codon 1430 of the APC protein (p.Thr1430Ile). The threonine residue is highly conserved and there is a moderate physicochemical difference between threonine and isoleucine. ClinVar contains an entry for this variant (Variation ID: 824757). In summary, the available evidence is currently insufficient to determine the role of this variant in disease. Therefore, it has been classified as a Variant of Uncertain Significance. Algorithms developed to predict the effect of missense changes on protein structure and function are either unavailable or do not agree on the potential impact of this missense change (SIFT: "Tolerated"; PolyPhen-2: "Probably Damaging"; Align-GVGD: "Class C0").

Color Diagnostics, LLC DBA Color Health
Classification: Uncertain significance for Hereditary cancer-predisposing syndrome. Last evaluated: 2021-06-15. Review status: criteria provided, single submitter. Criteria: ACMG Guidelines, 2015. Collection method: clinical testing. Allele origin: germline.
Comment: This missense variant replaces threonine with isoleucine at codon 1430 of the APC protein. Computational prediction is inconclusive regarding the impact of this variant on protein structure and function (internally defined REVEL score threshold 0.5 < inconclusive < 0.7, PMID: 27666373). To our knowledge, functional studies have not been reported for this variant. This variant has not been reported in individuals affected with hereditary cancer in the literature. This variant has not been identified in the general population by the Genome Aggregation Database (gnomAD). The available evidence is insufficient to determine the role of this variant in disease conclusively. Therefore, this variant is classified as a Variant of Uncertain Significance.

Ambry Genetics
Classification: Uncertain significance for Hereditary cancer-predisposing syndrome. Last evaluated: 2018-03-25. Review status: criteria provided, single submitter. Criteria: Ambry Variant Classification Scheme 2023. Collection method: clinical testing. Allele origin: germline.
Comment: The p.T1430I variant (also known as c.4289C>T), located in coding exon 15 of the APC gene, results from a C to T substitution at nucleotide position 4289. The threonine at codon 1430 is replaced by isoleucine, an amino acid with similar properties. This amino acid position is highly conserved in available vertebrate species. In addition, in silico predictors for this gene do not accurately predict pathogenicity. Since supporting evidence is limited at this time, the clinical significance of this alteration remains unclear.